The following is an entry in ClinVar:

NM_006030.4(CACNA2D2):c.493A>G (p.Lys165Glu)

Gene: CACNA2D2 (calcium voltage-gated channel auxiliary subunit alpha2delta 2; minus strand). Cytogenetic location: 3p21.31.
Variant type: single nucleotide variant.
Coding change: c.493A>G on transcript NM_006030.4 (MANE Select); coding-DNA position 493, A replaced by G.
Protein change: p.Lys165Glu; replaces lysine 165 with glutamic acid.
Molecular consequence: missense variant.
Genome position (GRCh38, 1-based): chr3:50,387,585, T>C on the plus strand (A>G on the coding strand, the complement: CACNA2D2 is on the minus strand). VCF-style: chr3-50387585-T-C. GRCh37 (hg19) VCF-style: chr3-50425016-T-C.
Other names: c.493A>G, p.Lys165Glu (NM_001005505.3, NM_001174051.3, NM_001410768.1); c.286A>G, p.Lys96Glu (NM_001291101.1); short protein forms K165E, K96E.
Identifiers: ClinVar variation 1998466 (VCV001998466.4), dbSNP rs1272154597, ClinGen allele CA352946364.
Genomic context (GRCh38, chr3:50,387,585, plus strand): 5'-CCAAGGCCCAGCAAGGAGGTGTGGCTCAGGAGGGGGTGCTCACCAGCTCAGCGTCAGCCT[T>C]GGCGTCATAGTACACGATGTCTTCCTCCTGGTGAGGGGAGAGAGGCCTCAGCACTAGCTG-3'
Protein context (NP_006021.2, residues 155-175): KEEDIVYYDA[Lys165Glu]ADAELDDPES

ClinVar aggregate classification (germline): Uncertain significance (1 of 4 stars; one submission).

Conditions:
Early-infantile DEE. Also called: Ohtahara syndrome; Early infantile epileptic encephalopathy; Early infantile epileptic encephalopathy with suppression bursts. Identifiers: Orphanet 1934, MedGen C0393706, MONDO:0800491.

Allele frequency attached by ClinVar (database versions not stated): TOPMed below 0.00001.

Submission:

Labcorp Genetics (formerly Invitae), Labcorp
Classification: Uncertain significance for Early-infantile DEE. Last evaluated: 2022-05-25. Review status: criteria provided, single submitter. Criteria: Invitae Variant Classification Sherloc (09022015). Collection method: clinical testing. Allele origin: germline.
Comment: In summary, the available evidence is currently insufficient to determine the role of this variant in disease. Therefore, it has been classified as a Variant of Uncertain Significance. Algorithms developed to predict the effect of missense changes on protein structure and function are either unavailable or do not agree on the potential impact of this missense change (SIFT: "Deleterious"; PolyPhen-2: "Probably Damaging"; Align-GVGD: "Class C0"). This variant has not been reported in the literature in individuals affected with CACNA2D2-related conditions. This variant is not present in population databases (gnomAD no frequency). This sequence change replaces lysine, which is basic and polar, with glutamic acid, which is acidic and polar, at codon 165 of the CACNA2D2 protein (p.Lys165Glu).